The following is an entry in ClinVar:

NM_000104.4(CYP1B1):c.1090G>A (p.Val364Met)

Gene: CYP1B1 (cytochrome P450 family 1 subfamily B member 1; minus strand). Cytogenetic location: 2p22.2.
Variant type: single nucleotide variant.
Coding change: c.1090G>A on transcript NM_000104.4 (MANE Select); coding-DNA position 1090, G replaced by A.
Protein change: p.Val364Met; replaces valine 364 with methionine.
Molecular consequence: missense variant.
Genome position (GRCh38, 1-based): chr2:38,071,264, C>T on the plus strand (G>A on the coding strand, the complement: CYP1B1 is on the minus strand). VCF-style: chr2-38071264-C-T. GRCh37 (hg19) VCF-style: chr2-38298407-C-T.
Other names: NM_000104.4(CYP1B1):c.1090G>A; p.Val364Met; short protein forms V364M.
Identifiers: ClinVar variation 1339668 (VCV001339668.14), dbSNP rs72549379, ClinGen allele CA1619865.

ClinVar aggregate classification (germline): Pathogenic. Review status: reviewed by expert panel (3 of 4 stars). 6 submissions from 6 submitters: Pathogenic (1). 5 of the submissions do not count toward it. Last evaluated 2026-07-20.

Conditions:
Glaucoma 3A. Also called: Glaucoma 3, primary congenital, A. Identifiers: Orphanet 98976, Orphanet 98977, MedGen C1856439, MONDO:0009277, OMIM 231300.
Anterior segment dysgenesis 6 (ASGD6). Also called: Anterior segment dysgenesis 6, multiple subtypes. Identifiers: MedGen C4310623, MONDO:0015016, OMIM 617315.
CYP1B1-related glaucoma with or without anterior segment dysgenesis. Identifiers: MedGen CN375931, MONDO:0800472.
Primary congenital glaucoma. Also called: Primary congenital glaucoma (disease). Identifiers: MedGen C1533041, MONDO:0000365, HP:0008007.
Congenital glaucoma. Identifiers: MedGen C0020302, MONDO:0020366.

Allele frequency attached by ClinVar (database versions not stated): gnomAD 0.00001; gnomAD exomes 0.00002; TOPMed below 0.00001; ExAC 0.00001.
gnomAD v4.1: 32 of 1,612,972 alleles (0.002%); highest among the groups gnomAD compares: East Asian, 0.058%; no homozygotes.

Submissions (6):

ClinGen Glaucoma Variant Curation Expert Panel
Classification: Pathogenic for CYP1B1-related glaucoma with or without anterior segment dysgenesis. Last evaluated: 2026-07-20. Review status: reviewed by expert panel. Criteria: ClinGen CYP1B1 ACMG Specifications V1 Approved. Collection method: curation. Allele origin: germline. Inheritance: Autosomal recessive inheritance.
Comment: The c.1090G>A variant in CYP1B1 is a missense variant predicted to cause substitution of Valine by Methionine at amino acid 364 (p.Val364Met). This missense variant is located in the I-helix, meeting PM1_Supporting. The highest minor allele frequency of this variant was in the East Asian genetic ancestry group of gnomAD (v4.1.0) = 0.0005791 (26 alleles out of 44,896), which did not meet the PM2_Supporting allele frequency threshold (≤ 0.0005) or the BS1 allele frequency threshold (≥ 0.01). The REVEL score = 0.609, which was neither above nor below the thresholds for PP3 (≥ 0.644) or BP4 (≤ 0.290), predicting a damaging or benign impact on CYP1B1 function. There was no functional evidence predicting a damaging or benign impact of this variant on CYP1B1 function. This variant has been identified in 8 individuals with a CYP1B1-related phenotype. 6 individuals are compound heterozygous for the variant and a pathogenic or likely pathogenic variant (2 confirmed in trans and 4 with phase unknown) and 2 are homozygous (non-consanguineous) (PMIDs: 39158757, 20151268, 11527932, 20664688). Total proband points = 4.5, meeting PM3_Very strong. There were more cases published than presented here. 3 affected segregations with a CYP1B1-related phenotype have been reported (PMIDs: 30662834, 20151268, 39158757), which fulfilled PP1_Strong. There were more family studies published than presented here. In summary, this variant met the criteria to receive a score of 13 and to be classified as pathogenic (pathogenic classification ≥ 10, adapted from PMID: 32720330) for CYP1B1-related glaucoma with or without anterior segment dysgenesis (ASD) based on the ACMG/AMP criteria met, as specified by the ClinGen Glaucoma VCEP (v1.0, 06.11.2025): PM3_Very-Strong, PP1_Strong, PM1_Supporting

Labcorp Genetics (formerly Invitae), Labcorp
Classification: Pathogenic for Congenital glaucoma. Last evaluated: 2025-12-31. Review status: criteria provided, single submitter. Criteria: Invitae Variant Classification Sherloc (09022015). Collection method: clinical testing. Allele origin: germline. Not counted in ClinVar's aggregate classification.
Comment: This sequence change replaces valine, which is neutral and non-polar, with methionine, which is neutral and non-polar, at codon 364 of the CYP1B1 protein (p.Val364Met). This variant is present in population databases (rs72549379, gnomAD 0.01%). This missense change has been observed in individual(s) with glaucoma (PMID: 11184479, 18852424, 30662834). In at least one individual the data is consistent with being in trans (on the opposite chromosome) from a pathogenic variant. It has also been observed to segregate with disease in related individuals. ClinVar contains an entry for this variant (Variation ID: 1339668). Invitae Evidence Modeling of protein sequence and biophysical properties (such as structural, functional, and spatial information, amino acid conservation, physicochemical variation, residue mobility, and thermodynamic stability) has been performed for this missense variant. However, the output from this modeling did not meet the statistical confidence thresholds required to predict the impact of this variant on CYP1B1 protein function. For these reasons, this variant has been classified as Pathogenic.

Genomic Medicine Center of Excellence, King Faisal Specialist Hospital and Research Centre
Classification: Pathogenic for Glaucoma 3A. Last evaluated: 2025-09-10. Review status: criteria provided, single submitter. Criteria: ACMG Guidelines, 2015. Collection method: clinical testing. Allele origin: germline. Not counted in ClinVar's aggregate classification.

Fulgent Genetics
Classification: Pathogenic for Glaucoma 3A; Anterior segment dysgenesis 6. Last evaluated: 2024-06-21. Review status: criteria provided, single submitter. Criteria: ACMG Guidelines, 2015. Collection method: clinical testing. Allele origin: germline. Not counted in ClinVar's aggregate classification.

Baylor Genetics
Classification: Pathogenic for Anterior segment dysgenesis 6. Last evaluated: 2024-02-12. Review status: criteria provided, single submitter. Criteria: ACMG Guidelines, 2015. Collection method: clinical testing. Allele origin: unknown. Not counted in ClinVar's aggregate classification.

Women's Health and Genetics/Laboratory Corporation of America, LabCorp
Classification: Pathogenic for Primary congenital glaucoma. Last evaluated: 2022-01-10. Review status: criteria provided, single submitter. Criteria: LabCorp Variant Classification Summary - May 2015. Collection method: clinical testing. Allele origin: germline. Not counted in ClinVar's aggregate classification.
Comment: Variant summary: CYP1B1 c.1090G>A (p.Val364Met) results in a conservative amino acid change located in the end of helix J (Ohtake_2000) of the encoded protein sequence. Four of five in-silico tools predict a damaging effect of the variant on protein function. The variant allele was found at a frequency of 1.6e-05 in 247790 control chromosomes (gnomAD and publication data). c.1090G>A has been reported in the literature in multiple individuals affected with Primary Congenital Glaucoma, including homozygotes (Ohtake_2000, Sitorus_2003, Chen_2008, Weisschuh_2009, Fuse_2010, Kim_2011, Waryah_2019). In addition, this variant co-segregated with the disease in multiple families (Ohtake_2000, Fuse_2010, Waryah_2019). These data indicate that the variant is very likely to be associated with disease. To our knowledge, no experimental evidence demonstrating an impact on protein function has been reported. No clinical diagnostic laboratories have submitted clinical-significance assessments for this variant to ClinVar after 2014. Based on the evidence outlined above, the variant was classified as pathogenic.

Literature cited by the submitters: PubMed 11184479 (cited by Labcorp Genetics (formerly Invitae), Labcorp and Women's Health and Genetics/Laboratory Corporation of America, LabCorp); PubMed 18852424 (cited by Labcorp Genetics (formerly Invitae), Labcorp and Women's Health and Genetics/Laboratory Corporation of America, LabCorp); PubMed 30662834 (cited by Labcorp Genetics (formerly Invitae), Labcorp and Women's Health and Genetics/Laboratory Corporation of America, LabCorp); PubMed 18622259 (cited by Women's Health and Genetics/Laboratory Corporation of America, LabCorp); PubMed 21850185 (cited by Women's Health and Genetics/Laboratory Corporation of America, LabCorp); PubMed 20151268 (cited by Women's Health and Genetics/Laboratory Corporation of America, LabCorp); PubMed 12525557 (cited by Women's Health and Genetics/Laboratory Corporation of America, LabCorp); PubMed 19195637 (cited by Women's Health and Genetics/Laboratory Corporation of America, LabCorp).